The following is an entry in ClinVar:

ClinVar aggregate classification (germline): Benign. Review status: criteria provided, multiple submitters, no conflicts (2 of 4 stars). 2 submissions from 2 submitters: Benign (2). Last evaluated 2023-04-01.

Conditions:
Landau-Kleffner syndrome (FESD). Also called: EPILEPSY, FOCAL, WITH SPEECH DISORDER AND WITH OR WITHOUT MENTAL RETARDATION; APHASIA, ACQUIRED, WITH EPILEPSY. Identifiers: Orphanet 1945, Orphanet 725, Orphanet 98818, MedGen C0282512, MONDO:0009509, OMIM 245570.

Allele frequency attached by ClinVar (database versions not stated): 1000 Genomes Project 30x 0.00047; TOPMed 0.00296; gnomAD 0.00303 and 0.00319; 1000 Genomes Project 0.00040; gnomAD exomes 0.00325.
gnomAD v4.1: 669 of 219,516 alleles (0.3%); highest among the groups gnomAD compares: Non-Finnish European, 0.48%; 3 homozygotes.

Submissions (2):

CeGaT Center for Human Genetics Tuebingen
Classification: Benign. Last evaluated: 2023-04-01. Review status: criteria provided, single submitter. Criteria: CeGaT Center For Human Genetics Tuebingen Variant Classification Criteria Version 2. Collection method: clinical testing. Allele origin: germline. Affected: yes. Observed: 13 variant alleles.
Comment: GRIN2A: BS1, BS2

Illumina Laboratory Services, Illumina
Classification: Benign for Landau-Kleffner syndrome. Last evaluated: 2018-01-13. Review status: criteria provided, single submitter. Criteria: ICSL Variant Classification Criteria 13 December 2019. Collection method: clinical testing. Allele origin: germline.
Comment: This variant was observed in the ICSL laboratory as part of a predisposition screen in an ostensibly healthy population. It had not been previously curated by ICSL or reported in the Human Gene Mutation Database (HGMD: prior to June 1st, 2018), and was therefore a candidate for classification through an automated scoring system. Utilizing variant allele frequency, disease prevalence and penetrance estimates, and inheritance mode, an automated score was calculated to assess if this variant is too frequent to cause the disease. Based on the score and internal cut-off values, a variant classified as benign is not then subjected to further curation. The score for this variant resulted in a classification of benign for this disease.

NM_001134407.3(GRIN2A):c.*8396T>C

Gene: GRIN2A (glutamate ionotropic receptor NMDA type subunit 2A; minus strand). Cytogenetic location: 16p13.2.
Variant type: single nucleotide variant.
Coding change: c.*8396T>C on transcript NM_001134407.3 (MANE Select); 8396 bases downstream of the stop codon, T replaced by C.
Molecular consequence: 3 prime UTR variant.
Genome position (GRCh38, 1-based): chr16:9,754,753, A>G on the plus strand (T>C on the coding strand, the complement: GRIN2A is on the minus strand). VCF-style: chr16-9754753-A-G. GRCh37 (hg19) VCF-style: chr16-9848610-A-G.
Other names: c.*8396T>C (NM_000833.5); c.*8602T>C (NM_001134408.2).
Identifiers: ClinVar variation 321473 (VCV000321473.36), dbSNP rs192548671, ClinGen allele CA10649382.